The following is an entry in ClinVar:

ClinVar aggregate classification (germline): Conflicting classifications of pathogenicity. Review status: criteria provided, conflicting classifications (1 of 4 stars). 3 submissions from 3 submitters: Uncertain significance (2); Likely benign (1). Last evaluated 2026-02-01.

Conditions:
Familial cold autoinflammatory syndrome 3 (FCAS3). Also called: FAMILIAL ATYPICAL COLD URTICARIA; ANTIBODY DEFICIENCY AND IMMUNE DYSREGULATION, PLCG2-ASSOCIATED. Identifiers: Orphanet 300359, MedGen C3280914, MONDO:0013766, OMIM 614468.
Autoinflammation-PLCG2-associated antibody deficiency-immune dysregulation. Also called: Autoinflammation, antibody deficiency, and immune dysregulation syndrome; Autoinflammation, antibody deficiency, and immune dysregulation, plcg2-associated; AUTOINFLAMMATION, ANTIBODY DEFICIENCY, AND IMMUNE DYSREGULATION. Identifiers: Orphanet 324530, MedGen C3553961, MONDO:0013944, OMIM 614878.

Allele frequency attached by ClinVar (database versions not stated): TOPMed 0.00002; ESP Exome Variant Server 0.00008; gnomAD exomes 0.00008; ExAC 0.00011; 1000 Genomes Project 30x 0.00016; 1000 Genomes Project 0.00020.
gnomAD v4.1: 67 of 1,610,880 alleles (0.0042%); highest among the groups gnomAD compares: Middle Eastern, 0.017%; no homozygotes.

Submissions (3):

Labcorp Genetics (formerly Invitae), Labcorp
Classification: Uncertain significance for Familial cold autoinflammatory syndrome 3. Last evaluated: 2026-02-01. Review status: criteria provided, single submitter. Criteria: Invitae Variant Classification Sherloc (09022015). Collection method: clinical testing. Allele origin: germline.
Comment: This sequence change replaces leucine, which is neutral and non-polar, with isoleucine, which is neutral and non-polar, at codon 835 of the PLCG2 protein (p.Leu835Ile). This variant is present in population databases (rs186829827, gnomAD 0.01%). This missense change has been observed in individual(s) with familial cold autoinflammatory syndrome 3 (PMID: 35753512). ClinVar contains an entry for this variant (Variation ID: 1022322). An algorithm developed to predict the effect of missense changes on protein structure and function (PolyPhen-2) suggests that this variant is likely to be tolerated. In summary, the available evidence is currently insufficient to determine the role of this variant in disease. Therefore, it has been classified as a Variant of Uncertain Significance.

CeGaT Center for Human Genetics Tuebingen
Classification: Likely benign. Last evaluated: 2022-11-01. Review status: criteria provided, single submitter. Criteria: CeGaT Center For Human Genetics Tuebingen Variant Classification Criteria Version 2. Collection method: clinical testing. Allele origin: germline. Affected: yes. Observed: 1 variant allele.
Comment: PLCG2: BP4

Fulgent Genetics
Classification: Uncertain significance for Familial cold autoinflammatory syndrome 3; Autoinflammation-PLCG2-associated antibody deficiency-immune dysregulation. Last evaluated: 2022-02-03. Review status: criteria provided, single submitter. Criteria: ACMG Guidelines, 2015. Collection method: clinical testing. Allele origin: unknown.

Literature cited by the submitters: PubMed 35753512 (cited by Labcorp Genetics (formerly Invitae), Labcorp).

NM_002661.5(PLCG2):c.2503C>A (p.Leu835Ile)

Gene: PLCG2 (phospholipase C gamma 2; plus strand). Cytogenetic location: 16q23.3.
Variant type: single nucleotide variant.
Coding change: c.2503C>A on transcript NM_002661.5 (MANE Select); coding-DNA position 2503, C replaced by A.
Protein change: p.Leu835Ile; replaces leucine 835 with isoleucine.
Molecular consequence: missense variant.
Genome position (GRCh38, 1-based): chr16:81,927,167, C>A. VCF-style: chr16-81927167-C-A. GRCh37 (hg19) VCF-style: chr16-81960772-C-A.
Other names: short protein forms L835I.
Identifiers: ClinVar variation 1022322 (VCV001022322.38), dbSNP rs186829827, ClinGen allele CA8194296.